The following is an entry in ClinVar:

NM_001353345.2(SETD1B):c.2924C>T (p.Ser975Phe)

Gene: SETD1B (SET domain containing 1B, histone lysine methyltransferase; plus strand). Cytogenetic location: 12q24.31.
Variant type: single nucleotide variant.
Coding change: c.2924C>T on transcript NM_001353345.2 (MANE Select); coding-DNA position 2924, C replaced by T.
Protein change: p.Ser975Phe; replaces serine 975 with phenylalanine.
Molecular consequence: missense variant.
Genome position (GRCh38, 1-based): chr12:121,817,241, C>T. VCF-style: chr12-121817241-C-T. GRCh37 (hg19) VCF-style: chr12-122255147-C-T.
Other names: short protein forms S975F.
Identifiers: ClinVar variation 4537768 (VCV004537768.1).

ClinVar aggregate classification (germline): Uncertain significance (1 of 4 stars; one submission).

gnomAD v4.1: 3 of 1,550,992 alleles (0.00019%); highest among the groups gnomAD compares: Non-Finnish European, 0.00026%; no homozygotes.

Submission:

GeneDx
Classification: Uncertain significance. Last evaluated: 2025-06-12. Review status: criteria provided, single submitter. Criteria: GeneDx Variant Classification Process June 2021. Collection method: clinical testing. Allele origin: germline. Affected: yes.
Comment: Not observed at significant frequency in large population cohorts (gnomAD); In silico analysis supports that this missense variant has a deleterious effect on protein structure/function; Has not been previously published as pathogenic or benign to our knowledge